The following is an entry in ClinVar:

NM_001184.4(ATR):c.6934A>G (p.Ile2312Val)

Gene: ATR (ATR checkpoint kinase; minus strand). Cytogenetic location: 3q23.
Variant type: single nucleotide variant.
Coding change: c.6934A>G on transcript NM_001184.4 (MANE Select); coding-DNA position 6934, A replaced by G.
Protein change: p.Ile2312Val; replaces isoleucine 2312 with valine.
Molecular consequence: missense variant.
Genome position (GRCh38, 1-based): chr3:142,465,204, T>C on the plus strand (A>G on the coding strand, the complement: ATR is on the minus strand). VCF-style: chr3-142465204-T-C. GRCh37 (hg19) VCF-style: chr3-142184046-T-C.
Other names: c.6742A>G, p.Ile2248Val (NM_001354579.2); short protein forms I2312V, I2248V.
Identifiers: ClinVar variation 1756220 (VCV001756220.2), dbSNP rs2108271300, ClinGen allele CA354800746.

ClinVar aggregate classification (germline): Uncertain significance (1 of 4 stars; one submission).

Conditions:
Inborn genetic diseases. Identifiers: MedGen C0950123, MeSH D030342.

Submission:

Ambry Genetics
Classification: Uncertain significance for Inborn genetic diseases. Last evaluated: 2022-06-18. Review status: criteria provided, single submitter. Criteria: Ambry Variant Classification Scheme 2023. Collection method: clinical testing. Allele origin: germline.
Comment: The p.I2312V variant (also known as c.6934A>G), located in coding exon 41 of the ATR gene, results from an A to G substitution at nucleotide position 6934. The isoleucine at codon 2312 is replaced by valine, an amino acid with highly similar properties. This amino acid position is conserved. In addition, the in silico prediction for this alteration is inconclusive. Since supporting evidence is limited at this time, the clinical significance of this alteration remains unclear.